The following is an entry in ClinVar:

NM_001394062.1(MACF1):c.20704G>A (p.Asp6902Asn)

Gene: MACF1 (microtubule actin crosslinking factor 1; plus strand). Cytogenetic location: 1p34.3.
Variant type: single nucleotide variant.
Coding change: c.20704G>A on transcript NM_001394062.1 (MANE Select); coding-DNA position 20704, G replaced by A.
Protein change: p.Asp6902Asn; replaces aspartic acid 6902 with asparagine.
Molecular consequence: missense variant.
Genome position (GRCh38, 1-based): chr1:39,452,774, G>A. VCF-style: chr1-39452774-G-A. GRCh37 (hg19) VCF-style: chr1-39918446-G-A.
Other names: c.8782G>A, p.Asp2928Asn (NM_001397473.1); c.14527G>A, p.Asp4843Asn (NM_012090.5); short protein forms D4843N, D2928N, D6902N.
Identifiers: ClinVar variation 3292502 (VCV003292502.4).

ClinVar aggregate classification (germline): Uncertain significance. Review status: criteria provided, multiple submitters, no conflicts (2 of 4 stars). 3 submissions from 3 submitters: Uncertain significance (3). Last evaluated 2026-05-01.

Conditions:
Inborn genetic diseases. Identifiers: MedGen C0950123, MeSH D030342.

gnomAD v4.1: 1 of 1,614,116 alleles (0.000062%); highest among the groups gnomAD compares: Admixed American, 0.0017%; no homozygotes.

Submissions (3):

CeGaT Center for Human Genetics Tuebingen
Classification: Uncertain significance. Last evaluated: 2026-05-01. Review status: criteria provided, single submitter. Criteria: CeGaT Center For Human Genetics Tuebingen Variant Classification Criteria Version 2. Collection method: clinical testing. Allele origin: germline. Affected: yes. Observed: 1 variant allele.
Comment: MACF1: PM2

Labcorp Genetics (formerly Invitae), Labcorp
Classification: Uncertain significance. Last evaluated: 2025-10-23. Review status: criteria provided, single submitter. Criteria: Invitae Variant Classification Sherloc (09022015). Collection method: clinical testing. Allele origin: germline.
Comment: This sequence change replaces aspartic acid, which is acidic and polar, with asparagine, which is neutral and polar, at codon 4843 of the MACF1 protein (p.Asp4843Asn). This variant is present in population databases (no rsID available, gnomAD 0.003%). This variant has not been reported in the literature in individuals affected with MACF1-related conditions. ClinVar contains an entry for this variant (Variation ID: 3292502). An algorithm developed to predict the effect of missense changes on protein structure and function (PolyPhen-2) suggests that this variant is likely to be disruptive. In summary, the available evidence is currently insufficient to determine the role of this variant in disease. Therefore, it has been classified as a Variant of Uncertain Significance.

Ambry Genetics
Classification: Uncertain significance for Inborn genetic diseases. Last evaluated: 2024-06-14. Review status: criteria provided, single submitter. Criteria: Ambry Variant Classification Scheme 2023. Collection method: clinical testing. Allele origin: germline.